The following is an entry in ClinVar:

NM_001267550.2(TTN):c.7613G>A (p.Gly2538Asp)

Gene: TTN (titin; minus strand). Cytogenetic location: 2q31.2.
Variant type: single nucleotide variant.
Coding change: c.7613G>A on transcript NM_001267550.2 (MANE Select); coding-DNA position 7613, G replaced by A.
Protein change: p.Gly2538Asp; replaces glycine 2538 with aspartic acid.
Molecular consequence: missense variant.
Genome position (GRCh38, 1-based): chr2:178,773,351, C>T on the plus strand (G>A on the coding strand, the complement: TTN is on the minus strand). VCF-style: chr2-178773351-C-T. GRCh37 (hg19) VCF-style: chr2-179638078-C-T.
Other names: c.7613G>A, p.Gly2538Asp (NM_001256850.1, NM_133378.4, NM_133379.5); c.7475G>A, p.Gly2492Asp (NM_003319.4, NM_133432.3, NM_133437.4); short protein forms G2492D, G2538D.
Identifiers: ClinVar variation 3358525 (VCV003358525.2).

ClinVar aggregate classification (germline): Uncertain significance (1 of 4 stars; one submission).

Conditions:
TTN-related disorder. Also called: TTN-related condition; TTN-related disease; TTN-related disorders.

gnomAD v4.1: 15 of 1,613,812 alleles (0.00093%); highest among the groups gnomAD compares: African/African-American, 0.0013%; no homozygotes.

Submission:

PreventionGenetics, part of Exact Sciences
Classification: Uncertain significance for TTN-related condition. Last evaluated: 2026-05-13. Review status: criteria provided, single submitter. Criteria: ACMG Guidelines, 2015. Collection method: clinical testing. Allele origin: germline.
Comment: The TTN c.7613G>A variant is predicted to result in the amino acid substitution p.Gly2538Asp. This variant has been reported along with additional TTN missense variants in an individual with arrhythmogenic cardiomyopathy (Table S2, Poloni et al. 2019. PubMed ID: 30453078). This variant is reported in 0.00088% of alleles in individuals of European (Non-Finnish) descent in gnomAD. At this time, the clinical significance of this variant is uncertain due to the absence of conclusive functional and genetic evidence.